The following is an entry in ClinVar:

ClinVar aggregate classification (germline): Uncertain significance (1 of 4 stars; one submission).

Submission:

GeneDx
Classification: Uncertain significance. Last evaluated: 2025-06-26. Review status: criteria provided, single submitter. Criteria: GeneDx Variant Classification Process June 2021. Collection method: clinical testing. Allele origin: germline. Affected: yes.
Comment: Not observed at significant frequency in large population cohorts (gnomAD); In silico analysis supports that this missense variant has a deleterious effect on protein structure/function; Has not been previously published as pathogenic or benign to our knowledge

NM_002470.4(MYH3):c.1358C>T (p.Pro453Leu)

Gene: MYH3 (myosin heavy chain 3; minus strand). Cytogenetic location: 17p13.1.
Variant type: single nucleotide variant.
Coding change: c.1358C>T on transcript NM_002470.4 (MANE Select); coding-DNA position 1358, C replaced by T.
Protein change: p.Pro453Leu; replaces proline 453 with leucine.
Molecular consequence: missense variant.
Genome position (GRCh38, 1-based): chr17:10,644,403, G>A on the plus strand (C>T on the coding strand, the complement: MYH3 is on the minus strand). VCF-style: chr17-10644403-G-A. GRCh37 (hg19) VCF-style: chr17-10547720-G-A.
Other names: short protein forms P453L.
Identifiers: ClinVar variation 4539888 (VCV004539888.1).